The following is an entry in ClinVar:

NM_001042432.2(CLN3):c.298G>C (p.Val100Leu)

Gene: CLN3 (CLN3 lysosomal/endosomal transmembrane protein, battenin; minus strand). Cytogenetic location: 16p12.1.
Variant type: single nucleotide variant.
Coding change: c.298G>C on transcript NM_001042432.2 (MANE Select); coding-DNA position 298, G replaced by C.
Protein change: p.Val100Leu; replaces valine 100 with leucine.
Molecular consequence: missense variant. On other transcripts: intron variant (1).
Genome position (GRCh38, 1-based): chr16:28,487,738, C>G on the plus strand (G>C on the coding strand, the complement: CLN3 is on the minus strand). VCF-style: chr16-28487738-C-G. GRCh37 (hg19) VCF-style: chr16-28499059-C-G.
Other names: c.298G>C, p.Val100Leu (NM_000086.2); c.226G>C, p.Val76Leu (NM_001286104.2); c.64G>C, p.Val22Leu (NM_001286109.2); c.136G>C, p.Val46Leu (NM_001286110.2); c.75-197G>C (NM_001286105.2); short protein forms V100L, V46L, V22L, V76L.
Identifiers: ClinVar variation 656552 (VCV000656552.2), dbSNP rs1478662819, ClinGen allele CA395346156.

ClinVar aggregate classification (germline): Uncertain significance. Review status: criteria provided, single submitter (1 of 4 stars). 2 submissions from 2 submitters: Uncertain significance (1). 1 of the submissions does not count toward it. Last evaluated 2018-10-20.

Conditions:
Neuronal ceroid lipofuscinosis. Also called: Neuronal Ceroid Lipofuscinoses. Identifiers: Orphanet 216, Orphanet 79263, MedGen C0027877, MONDO:0016295. Disease mechanism: loss of function.
Juvenile neuronal ceroid lipofuscinosis. Also called: Batten Disease. Identifiers: Orphanet 79264, MedGen CN293564, MONDO:0019262.

Allele frequency attached by ClinVar (database versions not stated): TOPMed below 0.00001; gnomAD 0.00001.
gnomAD v4.1: 1 of 1,612,460 alleles (0.000062%); highest among the groups gnomAD compares: East Asian, 0.0022%; no homozygotes.

Submissions (2):

Labcorp Genetics (formerly Invitae), Labcorp
Classification: Uncertain significance for Neuronal ceroid lipofuscinosis. Last evaluated: 2018-10-20. Review status: criteria provided, single submitter. Criteria: Invitae Variant Classification Sherloc (09022015). Collection method: clinical testing. Allele origin: germline.
Comment: This sequence change replaces valine with leucine at codon 100 of the CLN3 protein (p.Val100Leu). The valine residue is highly conserved and there is a small physicochemical difference between valine and leucine. This variant is not present in population databases (ExAC no frequency). This variant has not been reported in the literature in individuals with CLN3-related disease. Algorithms developed to predict the effect of missense changes on protein structure and function are either unavailable or do not agree on the potential impact of this missense change (SIFT: "Deleterious"; PolyPhen-2: "Probably Damaging"; Align-GVGD: "Class C0"). In summary, the available evidence is currently insufficient to determine the role of this variant in disease. Therefore, it has been classified as a Variant of Uncertain Significance.

Natera, Inc.
Classification: Uncertain significance for Batten Disease. Last evaluated: 2025-03-20. Review status: no assertion criteria provided. Collection method: clinical testing. Allele origin: germline. Not counted in ClinVar's aggregate classification.